The following is an entry in ClinVar:

ClinVar aggregate classification (germline): Likely benign (1 of 4 stars; one submission).

Submission:

CeGaT Center for Human Genetics Tuebingen
Classification: Likely benign. Last evaluated: 2026-02-01. Review status: criteria provided, single submitter. Criteria: CeGaT Center For Human Genetics Tuebingen Variant Classification Criteria Version 2. Collection method: clinical testing. Allele origin: germline. Affected: yes. Observed: 1 variant allele.
Comment: GCNA: BP4, BP7

NM_052957.5(GCNA):c.468G>A (p.Ser156=)

Gene: GCNA (germ cell nuclear acidic peptidase; plus strand). Cytogenetic location: Xq13.1.
Variant type: single nucleotide variant.
Coding change: c.468G>A on transcript NM_052957.5 (MANE Select); coding-DNA position 468, G replaced by A.
Protein change: p.Ser156=; no amino-acid change (serine 156 retained).
Molecular consequence: synonymous variant.
Genome position (GRCh38, 1-based): chrX:71,603,745, G>A. VCF-style: chrX-71603745-G-A. GRCh37 (hg19) VCF-style: chrX-70823595-G-A.
Identifiers: ClinVar variation 4820835 (VCV004820835.4).